The following is an entry in ClinVar:

ClinVar aggregate classification (germline): Pathogenic. Review status: criteria provided, multiple submitters, no conflicts (2 of 4 stars). 4 submissions from 4 submitters: Pathogenic (3). 1 of the submissions does not count toward it. Last evaluated 2024-12-10.

Conditions:
Charcot-Marie-Tooth disease dominant intermediate E. Also called: CHARCOT-MARIE-TOOTH NEUROPATHY WITH FOCAL SEGMENTAL GLOMERULONEPHRITIS. Identifiers: Orphanet 93114, MedGen C4302667, MONDO:0013758, OMIM 614455.
Focal segmental glomerulosclerosis 5 (FSGS5). Identifiers: Orphanet 656, MedGen C2750475, MONDO:0013191, OMIM 613237.
Inborn genetic diseases. Identifiers: MedGen C0950123, MeSH D030342.

Submissions (4):

GeneDx
Classification: Pathogenic. Last evaluated: 2024-12-10. Review status: criteria provided, single submitter. Criteria: GeneDx Variant Classification Process June 2021. Collection method: clinical testing. Allele origin: germline. Affected: yes.
Comment: Published functional studies demonstrate a damaging effect on actin stress response (PMID: 32444357); Not observed at significant frequency in large population cohorts (gnomAD); In silico analysis supports that this missense variant has a deleterious effect on protein structure/function; This variant is associated with the following publications: (PMID: 24487800, 27549087, 25439738, 22961558, 32033020, 36637069, Bittmann2023[Case Report], 22965130, 39623687, 22187985, 38916773, 39609740, 32444357)

Labcorp Genetics (formerly Invitae), Labcorp
Classification: Pathogenic for Charcot-Marie-Tooth disease dominant intermediate E; Focal segmental glomerulosclerosis 5. Last evaluated: 2024-01-08. Review status: criteria provided, single submitter. Criteria: Invitae Variant Classification Sherloc (09022015). Collection method: clinical testing. Allele origin: germline.
Comment: This sequence change replaces leucine, which is neutral and non-polar, with proline, which is neutral and non-polar, at codon 128 of the INF2 protein (p.Leu128Pro). This variant is not present in population databases (gnomAD no frequency). This missense change has been observed in individual(s) with Charcot-Marie-Tooth disease and focal segmental glomerulosclerosis (PMID: 22187985, 22961558). In at least one individual the variant was observed to be de novo. ClinVar contains an entry for this variant (Variation ID: 30867). Advanced modeling of protein sequence and biophysical properties (such as structural, functional, and spatial information, amino acid conservation, physicochemical variation, residue mobility, and thermodynamic stability) performed at Invitae indicates that this missense variant is expected to disrupt INF2 protein function with a positive predictive value of 95%. For these reasons, this variant has been classified as Pathogenic.

Ambry Genetics
Classification: Pathogenic for Inborn genetic diseases. Last evaluated: 2020-06-17. Review status: criteria provided, single submitter. Criteria: Ambry Variant Classification Scheme 2023. Collection method: clinical testing. Allele origin: germline.
Comment: The p.L128P variant (also known as c.383T>C), located in coding exon 1 of the INF2 gene, results from a T to C substitution at nucleotide position 383. The leucine at codon 128 is replaced by proline, an amino acid with similar properties. This alteration is located in the diaphanous inhibitory domain (DID), where pathogenic alterations are localized between nucleotide positions 300 to 500 in patients with both Charcot-Marie-Tooth disease, intermediate E (CMTDIE) and focal segmental glomerulosclerosis 5 (FSGS) (Boyer O et al. N. Engl. J. Med., 2011 Dec;365:2377-88). This variant has been found in multiple individuals with CMT and FSGS and was reported as de novo in one individual (Boyer O et al. N. Engl. J. Med., 2011 Dec;365:2377-88; Rodriguez PQ et al. Pediatr. Nephrol., 2013 Feb;28:339-43). The variant has also been reported in one individual with an unspecified inherited neuropathy phenotype (La&scaron;&scaron;uthov&aacute; P et al. Orphanet J Rare Dis, 2016 08;11:118). Based on the supporting evidence, this alteration is interpreted as a disease-causing mutation.

OMIM
Classification: Pathogenic for CHARCOT-MARIE-TOOTH DISEASE, DOMINANT INTERMEDIATE E. Last evaluated: 2011-12-22. Review status: no assertion criteria provided. Collection method: literature only. Allele origin: germline. Not counted in ClinVar's aggregate classification.

Literature cited by the submitters: PubMed 22187985 (cited by 3 submitters); PubMed 22961558 (cited by Labcorp Genetics (formerly Invitae), Labcorp and Ambry Genetics); PubMed 27549087 (cited by Ambry Genetics).

NM_022489.4(INF2):c.383T>C (p.Leu128Pro)

Gene: INF2 (inverted formin 2; plus strand). Cytogenetic location: 14q32.33.
Variant type: single nucleotide variant.
Coding change: c.383T>C on transcript NM_022489.4 (MANE Select); coding-DNA position 383, T replaced by C.
Protein change: p.Leu128Pro; replaces leucine 128 with proline.
Molecular consequence: missense variant.
Genome position (GRCh38, 1-based): chr14:104,701,748, T>C. VCF-style: chr14-104701748-T-C. GRCh37 (hg19) VCF-style: chr14-105168085-T-C.
Other names: c.383T>C, p.Leu128Pro (NM_001031714.4, NM_032714.3); short protein forms L128P.
Identifiers: ClinVar variation 30867 (VCV000030867.14), dbSNP rs387907037, ClinGen allele CA129512.